The following is an entry in ClinVar:

ClinVar aggregate classification (germline): Likely benign. Review status: criteria provided, multiple submitters, no conflicts (2 of 4 stars). 3 submissions from 3 submitters: Likely benign (2). 1 of the submissions does not count toward it. Last evaluated 2024-06-14.

Conditions:
CFAP57-related disorder. Also called: CFAP57-related condition.

Allele frequency attached by ClinVar (database versions not stated): ExAC 0.00073; ESP Exome Variant Server 0.00208; gnomAD 0.00232; TOPMed 0.00263; 1000 Genomes Project 0.00300; 1000 Genomes Project 30x 0.00328.
gnomAD v4.1: 812 of 1,614,180 alleles (0.05%); highest among the groups gnomAD compares: African/African-American, 0.82%; 6 homozygotes.

Submissions (3):

Blueprint Genetics
Classification: Likely benign. Last evaluated: 2024-06-14. Review status: criteria provided, single submitter. Criteria: ACMG Guidelines, 2015. Collection method: clinical testing. Allele origin: germline.

CeGaT Center for Human Genetics Tuebingen
Classification: Likely benign. Last evaluated: 2023-03-01. Review status: criteria provided, single submitter. Criteria: CeGaT Center For Human Genetics Tuebingen Variant Classification Criteria Version 2. Collection method: clinical testing. Allele origin: germline. Affected: yes. Observed: 1 variant allele.
Comment: CFAP57: BP4, BP7

PreventionGenetics, part of Exact Sciences
Classification: Benign for CFAP57-related condition. Last evaluated: 2019-11-26. Review status: no assertion criteria provided. Collection method: clinical testing. Allele origin: germline. Not counted in ClinVar's aggregate classification.
Comment: This variant is classified as benign based on ACMG/AMP sequence variant interpretation guidelines (Richards et al. 2015 PMID: 25741868, with internal and published modifications).

NM_001378189.1(CFAP57):c.1842G>A (p.Ser614=)

Genes: CFAP57 (cilia and flagella associated protein 57; plus strand), EBNA1BP2 (EBNA1 binding protein 2; minus strand), LOC105378685 (uncharacterized LOC105378685; minus strand). Cytogenetic location: 1p34.2.
Variant type: single nucleotide variant.
Coding change: c.1842G>A on transcript NM_001378189.1 (MANE Select); coding-DNA position 1842, G replaced by A.
Protein change: p.Ser614=; no amino-acid change (serine 614 retained).
Molecular consequence: synonymous variant.
Genome position (GRCh38, 1-based): chr1:43,209,829, G>A. VCF-style: chr1-43209829-G-A. GRCh37 (hg19) VCF-style: chr1-43675500-G-A.
Other names: c.1842G>A, p.Ser614= (NM_001167965.1, NM_001195831.3, NM_152498.3).
Identifiers: ClinVar variation 2638741 (VCV002638741.26), dbSNP rs143009991, ClinGen allele CA804793.